The following is an entry in ClinVar:

NM_002691.4(POLD1):c.1776-7C>G

Gene: POLD1 (DNA polymerase delta 1, catalytic subunit; plus strand). Cytogenetic location: 19q13.33.
Variant type: single nucleotide variant.
Coding change: c.1776-7C>G on transcript NM_002691.4 (MANE Select); 7 bases into the intron before coding-DNA position 1776, C replaced by G.
Molecular consequence: intron variant. On other transcripts: missense variant (1).
Genome position (GRCh38, 1-based): chr19:50,408,778, C>G. VCF-style: chr19-50408778-C-G. GRCh37 (hg19) VCF-style: chr19-50912035-C-G.
Other names: c.1847C>G, p.Pro616Arg (NM_001308632.1); c.1776-7C>G (NM_001256849.1); short protein forms P616R.
Identifiers: ClinVar variation 845594 (VCV000845594.9), dbSNP rs1402944826, ClinGen allele CA406981917.

ClinVar aggregate classification (germline): Uncertain significance (1 of 4 stars; one submission).

Conditions:
POLD1-related polyposis and colorectal cancer syndrome (CRCS10). Also called: Colorectal cancer 10; COLORECTAL CANCER, SUSCEPTIBILITY TO, ON CHROMOSOME 19q; Colorectal cancer, susceptibility to, 10. Identifiers: Orphanet 220460, MedGen C2675481, MONDO:0012953, OMIM 612591.

gnomAD v4.1: 1 of 1,613,710 alleles (0.000062%); highest among the groups gnomAD compares: Non-Finnish European, 0.000085%; no homozygotes.

Submission:

Labcorp Genetics (formerly Invitae), Labcorp
Classification: Uncertain significance for POLD1-related polyposis and colorectal cancer syndrome. Last evaluated: 2019-11-25. Review status: criteria provided, single submitter. Criteria: Invitae Variant Classification Sherloc (09022015). Collection method: clinical testing. Allele origin: germline.
Comment: Algorithms developed to predict the effect of sequence changes on RNA splicing suggest that this variant may disrupt the consensus splice site, but this prediction has not been confirmed by published transcriptional studies. In summary, the available evidence is currently insufficient to determine the role of this variant in disease. Therefore, it has been classified as a Variant of Uncertain Significance. This variant has not been reported in the literature in individuals with POLD1-related conditions. This variant is not present in population databases (ExAC no frequency). This sequence change falls in intron 14 of the POLD1 gene. It does not directly change the encoded amino acid sequence of the POLD1 protein.